The following is an entry in ClinVar:

ClinVar aggregate classification (germline): Uncertain significance (1 of 4 stars; one submission).

Submission:

GeneDx
Classification: Uncertain significance. Last evaluated: 2025-03-13. Review status: criteria provided, single submitter. Criteria: GeneDx Variant Classification Process June 2021. Collection method: clinical testing. Allele origin: germline. Affected: yes.
Comment: Not observed at significant frequency in large population cohorts (gnomAD); In silico analysis supports that this missense variant has a deleterious effect on protein structure/function; Has not been previously published as pathogenic or benign to our knowledge

NM_001375524.1(TRRAP):c.1181A>G (p.Asp394Gly)

Gene: TRRAP (transformation/transcription domain associated protein; plus strand). Cytogenetic location: 7q22.1.
Variant type: single nucleotide variant.
Coding change: c.1181A>G on transcript NM_001375524.1 (MANE Select); coding-DNA position 1181, A replaced by G.
Protein change: p.Asp394Gly; replaces aspartic acid 394 with glycine.
Molecular consequence: missense variant.
Genome position (GRCh38, 1-based): chr7:98,908,793, A>G. VCF-style: chr7-98908793-A-G. GRCh37 (hg19) VCF-style: chr7-98506416-A-G.
Other names: c.1181A>G, p.Asp394Gly (NM_001244580.2, NM_003496.4); short protein forms D394G.
Identifiers: ClinVar variation 4083144 (VCV004083144.1).